The following is an entry in ClinVar:

NM_002485.5(NBN):c.1125-6C>T

Gene: NBN (nibrin; minus strand). Cytogenetic location: 8q21.3.
Variant type: single nucleotide variant.
Coding change: c.1125-6C>T on transcript NM_002485.5 (MANE Select); 6 bases into the intron before coding-DNA position 1125, C replaced by T.
Molecular consequence: intron variant.
Genome position (GRCh38, 1-based): chr8:89,955,561, G>A on the plus strand (C>T on the coding strand, the complement: NBN is on the minus strand). VCF-style: chr8-89955561-G-A. GRCh37 (hg19) VCF-style: chr8-90967789-G-A.
Other names: c.879-6C>T (NM_001024688.3, NM_001440379.1, NM_001440380.1).
Identifiers: ClinVar variation 4537258 (VCV004537258.1).

ClinVar aggregate classification (germline): Likely benign (1 of 4 stars; one submission).

Submission:

Women's Health and Genetics/Laboratory Corporation of America, LabCorp
Classification: Likely benign. Last evaluated: 2025-11-21. Review status: criteria provided, single submitter. Criteria: LabCorp Variant Classification Summary - May 2015. Collection method: clinical testing. Allele origin: germline.
Comment: Variant summary: NBN c.1125-6C>T alters a nucleotide located at a position not widely known to affect splicing. Consensus agreement among computation tools predict no significant impact on normal splicing. However, these predictions have yet to be confirmed by functional studies. The variant was absent in 247730 control chromosomes. The available data on variant occurrences in the general population are insufficient to allow any conclusion about variant significance. To our knowledge, no occurrence of c.1125-6C>T in individuals affected with NBN-related conditions and no experimental evidence demonstrating its impact on protein function have been reported. No submitters have cited clinical-significance assessments for this variant to ClinVar. Based on the evidence outlined above, the variant was classified as likely benign.